The following is an entry in ClinVar:

ClinVar aggregate classification (germline): Benign/Likely benign. Review status: criteria provided, multiple submitters, no conflicts (2 of 4 stars). 4 submissions from 4 submitters: Benign (2); Likely benign (1). 1 of the submissions does not count toward it. Last evaluated 2026-01-19.

Conditions:
LAMA5-related disorder. Also called: LAMA5-related condition; LAMA5-Related Disorders.

Allele frequency attached by ClinVar (database versions not stated): gnomAD exomes 0.00029 and 0.00068; ExAC 0.00102; ESP Exome Variant Server 0.00263; gnomAD 0.00335 and 0.00356; TOPMed 0.00354; 1000 Genomes Project 0.00379; 1000 Genomes Project 30x 0.00437.
gnomAD v4.1: 918 of 1,590,668 alleles (0.058%); highest among the groups gnomAD compares: African/African-American, 1.2%; 4 homozygotes.

Submissions (4):

Labcorp Genetics (formerly Invitae), Labcorp
Classification: Benign. Last evaluated: 2026-01-19. Review status: criteria provided, single submitter. Criteria: Invitae Variant Classification Sherloc (09022015). Collection method: clinical testing. Allele origin: germline.

Blueprint Genetics
Classification: Likely benign. Last evaluated: 2024-09-18. Review status: criteria provided, single submitter. Criteria: ACMG Guidelines, 2015. Collection method: clinical testing. Allele origin: germline.

Breakthrough Genomics
Classification: Benign. Review status: criteria provided, single submitter. Criteria: ACMG Guidelines, 2015. Collection method: not provided. Allele origin: germline. Inheritance: Autosomal recessive inheritance. Affected: yes.

PreventionGenetics, part of Exact Sciences
Classification: Benign for LAMA5-related condition. Last evaluated: 2019-04-25. Review status: no assertion criteria provided. Collection method: clinical testing. Allele origin: germline. Not counted in ClinVar's aggregate classification.
Comment: This variant is classified as benign based on ACMG/AMP sequence variant interpretation guidelines (Richards et al. 2015 PMID: 25741868, with internal and published modifications).

NM_005560.6(LAMA5):c.11067C>T (p.Ala3689=)

Gene: LAMA5 (laminin subunit alpha 5; minus strand). Cytogenetic location: 20q13.33.
Variant type: single nucleotide variant.
Coding change: c.11067C>T on transcript NM_005560.6 (MANE Select); coding-DNA position 11067, C replaced by T.
Protein change: p.Ala3689=; no amino-acid change (alanine 3689 retained).
Molecular consequence: synonymous variant.
Genome position (GRCh38, 1-based): chr20:62,309,357, G>A on the plus strand (C>T on the coding strand, the complement: LAMA5 is on the minus strand). VCF-style: chr20-62309357-G-A. GRCh37 (hg19) VCF-style: chr20-60884413-G-A.
Identifiers: ClinVar variation 787498 (VCV000787498.14), dbSNP rs200330582, ClinGen allele CA9939460.